The following is an entry in ClinVar:

ClinVar aggregate classification (germline): Conflicting classifications of pathogenicity. Review status: criteria provided, conflicting classifications (1 of 4 stars). 4 submissions from 4 submitters: Likely pathogenic (2); Uncertain significance (1). 1 of the submissions does not count toward it. Last evaluated 2025-10-21.

Conditions:
Deficiency of isobutyryl-CoA dehydrogenase. Also called: IBD DEFICIENCY; ACAD8 DEFICIENCY; ACYL-CoA DEHYDROGENASE FAMILY, MEMBER 8, DEFICIENCY OF. Identifiers: Orphanet 79159, MedGen C1969809, MONDO:0012648, OMIM 611283.

Allele frequency attached by ClinVar (database versions not stated): gnomAD 0.00002; TOPMed 0.00002; ExAC 0.00004; gnomAD exomes 0.00004.

Submissions (4):

Labcorp Genetics (formerly Invitae), Labcorp
Classification: Likely pathogenic for Deficiency of isobutyryl-CoA dehydrogenase. Last evaluated: 2025-10-21. Review status: criteria provided, single submitter. Criteria: Invitae Variant Classification Sherloc (09022015). Collection method: clinical testing. Allele origin: germline.
Comment: This sequence change replaces arginine, which is basic and polar, with glutamine, which is neutral and polar, at codon 302 of the ACAD8 protein (p.Arg302Gln). This variant is present in population databases (rs121908422, gnomAD 0.03%). This missense change has been observed in individuals with isobutyryl-CoA dehydrogenase deficiency (PMID: 12359132, 31813752; internal data). ClinVar contains an entry for this variant (Variation ID: 5359). Invitae Evidence Modeling of protein sequence and biophysical properties (such as structural, functional, and spatial information, amino acid conservation, physicochemical variation, residue mobility, and thermodynamic stability) has been performed for this missense variant. However, the output from this modeling did not meet the statistical confidence thresholds required to predict the impact of this variant on ACAD8 protein function. Experimental studies have shown that this missense change affects ACAD8 function (PMID: 12359132, 16857760). This variant disrupts the p.Arg302 amino acid residue in ACAD8. Other variant(s) that disrupt this residue have been observed in individuals with ACAD8-related conditions (PMID: 12359132, 31813752, 35154245), which suggests that this may be a clinically significant amino acid residue. In summary, the currently available evidence indicates that the variant is pathogenic, but additional data are needed to prove that conclusively. Therefore, this variant has been classified as Likely Pathogenic.

Baylor Genetics
Classification: Likely pathogenic for Deficiency of isobutyryl-CoA dehydrogenase. Last evaluated: 2022-12-21. Review status: criteria provided, single submitter. Criteria: ACMG Guidelines, 2015. Collection method: clinical testing. Allele origin: unknown.

Eurofins Ntd Llc (ga)
Classification: Uncertain significance. Last evaluated: 2015-04-21. Review status: criteria provided, single submitter. Criteria: EGL Classification Definitions 2015. Collection method: clinical testing. Allele origin: germline. Observed: 1 variant allele, 1 homozygote.

OMIM
Classification: Pathogenic for ISOBUTYRYL-CoA DEHYDROGENASE DEFICIENCY. Last evaluated: 2002-09-01. Review status: no assertion criteria provided. Collection method: literature only. Allele origin: germline. Not counted in ClinVar's aggregate classification.

Literature cited by the submitters: PubMed 12359132 (cited by 3 submitters); PubMed 31813752 (cited by Labcorp Genetics (formerly Invitae), Labcorp); PubMed 16857760 (cited by Labcorp Genetics (formerly Invitae), Labcorp and Eurofins Ntd Llc (ga)); PubMed 35154245 (cited by Labcorp Genetics (formerly Invitae), Labcorp); PubMed 9889013 (cited by Eurofins Ntd Llc (ga) and OMIM).

NM_014384.3(ACAD8):c.905G>A (p.Arg302Gln)

Gene: ACAD8 (acyl-CoA dehydrogenase family member 8; plus strand). Cytogenetic location: 11q25.
Variant type: single nucleotide variant.
Coding change: c.905G>A on transcript NM_014384.3 (MANE Select); coding-DNA position 905, G replaced by A.
Protein change: p.Arg302Gln; replaces arginine 302 with glutamine.
Molecular consequence: missense variant.
Genome position (GRCh38, 1-based): chr11:134,261,338, G>A. VCF-style: chr11-134261338-G-A. GRCh37 (hg19) VCF-style: chr11-134131232-G-A.
Other names: c.905G>A (NM_014384.2); short protein forms R302Q.
Identifiers: ClinVar variation 5359 (VCV000005359.11), dbSNP rs121908422, ClinGen allele CA117444.
Genomic context (GRCh38, chr11:134,261,338, plus strand): 5'-CCTGCTCCCTGGGGGCTGCCCACGCCTCTGTCATCCTCACCCGAGACCACCTCAATGTCC[G>A]GAAGCAGTTTGGAGAGCCTCTGGCCAGTAACCAGGTAACCTCTGCCTTGCCTCCACATGG-3'
Protein context (NP_055199.1, residues 292-312): VILTRDHLNV[Arg302Gln]KQFGEPLASN